The following is an entry in ClinVar:

ClinVar aggregate classification (germline): Uncertain significance (1 of 4 stars; one submission).

Conditions:
Hereditary cancer-predisposing syndrome. Also called: Neoplastic Syndromes, Hereditary; Tumor predisposition; Hereditary neoplastic syndrome; Hereditary Cancer Syndrome. Identifiers: Orphanet 140162, MedGen C0027672, MeSH D009386, MONDO:0015356.

Submission:

Ambry Genetics
Classification: Uncertain significance for Hereditary cancer-predisposing syndrome. Last evaluated: 2026-07-06. Review status: criteria provided, single submitter. Criteria: Ambry Variant Classification Scheme 2023. Collection method: clinical testing. Allele origin: germline.
Comment: The p.V522F variant (also known as c.1564G>T), located in coding exon 13 of the PTCH1 gene, results from a G to T substitution at nucleotide position 1564. The valine at codon 522 is replaced by phenylalanine, an amino acid with highly similar properties. This amino acid position is conserved. In addition, this alteration is predicted to be deleterious by in silico analysis. Based on the available evidence, the clinical significance of this variant remains unclear.

NM_000264.5(PTCH1):c.1762G>T (p.Val588Phe)

Genes: PTCH1 (patched 1; minus strand), LOC100507346 (uncharacterized LOC100507346; plus strand). Cytogenetic location: 9q22.32.
Variant type: single nucleotide variant.
Coding change: c.1762G>T on transcript NM_000264.5 (MANE Select); coding-DNA position 1762, G replaced by T.
Protein change: p.Val588Phe; replaces valine 588 with phenylalanine.
Molecular consequence: missense variant. On other transcripts: non-coding transcript variant (2).
Genome position (GRCh38, 1-based): chr9:95,469,898, C>A on the plus strand (G>T on the coding strand, the complement: PTCH1 is on the minus strand). VCF-style: chr9-95469898-C-A. GRCh37 (hg19) VCF-style: chr9-98232180-C-A.
Other names: c.1564G>T, p.Val522Phe (NM_001083602.3); c.1759G>T, p.Val587Phe (NM_001083603.3); c.1309G>T, p.Val437Phe (NM_001083604.3, NM_001083605.3, NM_001083606.3 and 1 more transcripts); c.1606G>T, p.Val536Phe (NM_001354918.2); short protein forms V437F, V587F, V588F, V522F, V536F.
Identifiers: ClinVar variation 5027473 (VCV005027473.1).
Genomic context (GRCh38, chr9:95,469,898, plus strand): 5'-GTCTCCTGTCCTCGCGTCGATATAAATCCATGCTGAGAATTGCAGGAAAAATGAGCAGAA[C>A]CATGGCAAAATTGAACACCACTACTACCGCTGCCTGGGAGCAGAAAAAAAATTCAGAGGT-3'
Protein context (NP_000255.2, residues 578-598): AVVVVFNFAM[Val588Phe]LLIFPAILSM